The following is an entry in ClinVar:

ClinVar aggregate classification (germline): Uncertain significance (1 of 4 stars; one submission).

Submission:

Women's Health and Genetics/Laboratory Corporation of America, LabCorp
Classification: Uncertain significance. Last evaluated: 2026-01-07. Review status: criteria provided, single submitter. Criteria: LabCorp Variant Classification Summary - May 2015. Collection method: clinical testing. Allele origin: germline.
Comment: Variant summary: NSD1 c.727G>A (p.Glu243Lys) results in a conservative amino acid change in the encoded protein sequence. Algorithms developed to predict the effect of missense changes on protein structure and function are either unavailable or do not agree on the potential impact of this missense change. The variant was absent in 249854 control chromosomes. The available data on variant occurrences in the general population are insufficient to allow any conclusion about variant significance. To our knowledge, no occurrence of c.727G>A in individuals affected with NSD1-related conditions and no experimental evidence demonstrating its impact on protein function have been reported. No submitters have cited clinical-significance assessments for this variant to ClinVar. Based on the evidence outlined above, the variant was classified as uncertain significance.

NM_022455.5(NSD1):c.727G>A (p.Glu243Lys)

Gene: NSD1 (nuclear receptor binding SET domain protein 1; plus strand). Cytogenetic location: 5q35.3.
Variant type: single nucleotide variant.
Coding change: c.727G>A on transcript NM_022455.5 (MANE Select); coding-DNA position 727, G replaced by A.
Protein change: p.Glu243Lys; replaces glutamic acid 243 with lysine.
Molecular consequence: missense variant. On other transcripts: intron variant (8).
Genome position (GRCh38, 1-based): chr5:177,135,830, G>A. VCF-style: chr5-177135830-G-A. GRCh37 (hg19) VCF-style: chr5-176562831-G-A.
Other names: c.727G>A, p.Glu243Lys (NM_001409301.1, NM_001409302.1, NM_001409303.1); c.418-111G>A (NM_001409304.1); c.-36-111G>A (NM_001409305.1, NM_001409306.1, NM_001409308.1 and 4 more transcripts); short protein forms E243K.
Identifiers: ClinVar variation 4689552 (VCV004689552.1).